The following is an entry in ClinVar:

NM_020401.4(NUP107):c.2081C>T (p.Ala694Val)

Gene: NUP107 (nucleoporin 107; plus strand). Cytogenetic location: 12q15.
Variant type: single nucleotide variant.
Coding change: c.2081C>T on transcript NM_020401.4 (MANE Select); coding-DNA position 2081, C replaced by T.
Protein change: p.Ala694Val; replaces alanine 694 with valine.
Molecular consequence: missense variant.
Genome position (GRCh38, 1-based): chr12:68,732,719, C>T. VCF-style: chr12-68732719-C-T. GRCh37 (hg19) VCF-style: chr12-69126499-C-T.
Other names: c.1994C>T, p.Ala665Val (NM_001330192.2); short protein forms A665V, A694V.
Identifiers: ClinVar variation 1911882 (VCV001911882.5), dbSNP rs772520278, ClinGen allele CA6678024.

ClinVar aggregate classification (germline): Uncertain significance (1 of 4 stars; one submission).

Allele frequency attached by ClinVar (database versions not stated): ExAC 0.00001; gnomAD 0.00001; gnomAD exomes 0.00001; TOPMed 0.00003.
gnomAD v4.1: 10 of 1,601,506 alleles (0.00062%); highest among the groups gnomAD compares: African/African-American, 0.0027%; no homozygotes.

Submission:

Labcorp Genetics (formerly Invitae), Labcorp
Classification: Uncertain significance. Last evaluated: 2025-06-12. Review status: criteria provided, single submitter. Criteria: Invitae Variant Classification Sherloc (09022015). Collection method: clinical testing. Allele origin: germline.
Comment: This sequence change replaces alanine, which is neutral and non-polar, with valine, which is neutral and non-polar, at codon 694 of the NUP107 protein (p.Ala694Val). The frequency data for this variant in the population databases is considered unreliable, as metrics indicate poor data quality at this position in the gnomAD database. This variant has not been reported in the literature in individuals affected with NUP107-related conditions. ClinVar contains an entry for this variant (Variation ID: 1911882). Invitae Evidence Modeling of protein sequence and biophysical properties (such as structural, functional, and spatial information, amino acid conservation, physicochemical variation, residue mobility, and thermodynamic stability) indicates that this missense variant is expected to disrupt NUP107 protein function with a positive predictive value of 80%. Algorithms developed to predict the effect of sequence changes on RNA splicing suggest that this variant may disrupt the consensus splice site. In summary, the available evidence is currently insufficient to determine the role of this variant in disease. Therefore, it has been classified as a Variant of Uncertain Significance.